The following is an entry in ClinVar:

NM_004364.5(CEBPA):c.359T>A (p.Met120Lys)

Gene: CEBPA (CCAAT enhancer binding protein alpha; minus strand). Cytogenetic location: 19q13.11.
Variant type: single nucleotide variant.
Coding change: c.359T>A on transcript NM_004364.5 (MANE Select); coding-DNA position 359, T replaced by A.
Protein change: p.Met120Lys; replaces methionine 120 with lysine.
Molecular consequence: missense variant. On other transcripts: initiator codon variant (1).
Genome position (GRCh38, 1-based): chr19:33,302,056, A>T on the plus strand (T>A on the coding strand, the complement: CEBPA is on the minus strand). VCF-style: chr19-33302056-A-T. GRCh37 (hg19) VCF-style: chr19-33792962-A-T.
Other names: c.2T>A, p.Met1Lys (NM_001285829.2); c.464T>A, p.Met155Lys (NM_001287424.2); c.317T>A, p.Met106Lys (NM_001287435.2); short protein forms M155K, M1K, M106K, M120K.
Identifiers: ClinVar variation 4824858 (VCV004824858.1).
Genomic context (GRCh38, chr19:33,302,056, plus strand): 5'-TCCAGGTAGCCGGCGGCCGCGCAGCCGTAGCCGGGCGGGGGCCCGTGCGCTCCCCCGGGC[A>T]TGACGGCGCCGCCGGGGCCCGCGGGCGCGCCCGGGTAGTCAAAGTCGCCGCCGCCGCCGC-3'
Protein context (NP_004355.2, residues 110-130): GAPAGPGGAV[Met120Lys]PGGAHGPPPG

ClinVar aggregate classification (germline): Uncertain significance (1 of 4 stars; one submission).

Conditions:
Inborn genetic diseases. Identifiers: MedGen C0950123, MeSH D030342.

Submission:

Ambry Genetics
Classification: Uncertain significance for Inborn genetic diseases. Last evaluated: 2026-01-21. Review status: criteria provided, single submitter. Criteria: Ambry Variant Classification Scheme 2023. Collection method: clinical testing. Allele origin: germline.
Comment: The p.M120K variant (also known as c.359T>A), located in coding exon 1 of the CEBPA gene, results from a T to A substitution at nucleotide position 359. The methionine at codon 120 is replaced by lysine, an amino acid with similar properties. This amino acid position is conserved. In addition, this alteration is predicted to be tolerated by in silico analysis. Based on the available evidence, the clinical significance of this variant remains unclear.